The following is an entry in ClinVar:

ClinVar aggregate classification (germline): Uncertain significance (1 of 4 stars; one submission).

Submission:

Labcorp Genetics (formerly Invitae), Labcorp
Classification: Uncertain significance. Last evaluated: 2022-08-22. Review status: criteria provided, single submitter. Criteria: Invitae Variant Classification Sherloc (09022015). Collection method: clinical testing. Allele origin: germline.
Comment: In summary, the available evidence is currently insufficient to determine the role of this variant in disease. Therefore, it has been classified as a Variant of Uncertain Significance. Advanced modeling of protein sequence and biophysical properties (such as structural, functional, and spatial information, amino acid conservation, physicochemical variation, residue mobility, and thermodynamic stability) performed at Invitae indicates that this missense variant is not expected to disrupt ABCC6 protein function. This variant has not been reported in the literature in individuals affected with ABCC6-related conditions. This variant is not present in population databases (gnomAD no frequency). This sequence change replaces threonine, which is neutral and polar, with isoleucine, which is neutral and non-polar, at codon 491 of the ABCC6 protein (p.Thr491Ile).

NM_001171.6(ABCC6):c.1472C>T (p.Thr491Ile)

Gene: ABCC6 (ATP binding cassette subfamily C member 6; minus strand). Cytogenetic location: 16p13.11.
Variant type: single nucleotide variant.
Coding change: c.1472C>T on transcript NM_001171.6 (MANE Select); coding-DNA position 1472, C replaced by T.
Protein change: p.Thr491Ile; replaces threonine 491 with isoleucine.
Molecular consequence: missense variant. On other transcripts: non-coding transcript variant (1).
Genome position (GRCh38, 1-based): chr16:16,190,327, G>A on the plus strand (C>T on the coding strand, the complement: ABCC6 is on the minus strand). VCF-style: chr16-16190327-G-A. GRCh37 (hg19) VCF-style: chr16-16284184-G-A.
Other names: c.1130C>T, p.Thr377Ile (NM_001351800.1); short protein forms T377I, T491I.
Identifiers: ClinVar variation 1716166 (VCV001716166.5), dbSNP rs2511017922, ClinGen allele CA394889842.
Genomic context (GRCh38, chr16:16,190,327, plus strand): 5'-AGAAAGGCTCCCTCCCAGCCATGGAACTTGATGGTCTTCGAGTTCCTGAGGATAGAGCTG[G>A]TGAGCCGTGCCCGTGAGTCCTTCTGCCTCATTTGCTCCTCCTGGGATCGGAGGGAAAAAG-3'
Protein context (NP_001162.5, residues 481-501): MRQKDSRARL[Thr491Ile]SSILRNSKTI